The following is an entry in ClinVar:

ClinVar aggregate classification (germline): Uncertain significance (0 of 4 stars; one submission).

Allele frequency attached by ClinVar (database versions not stated): gnomAD exomes below 0.00001.
gnomAD v4.1: 1 of 1,611,776 alleles (0.000062%); highest among the groups gnomAD compares: Non-Finnish European, 0.000085%; no homozygotes.

Submission:

Biesecker Lab/Clinical Genomics Section, National Institutes of Health
Classification: Uncertain significance. Last evaluated: 2012-07-13. Review status: no assertion criteria provided. Collection method: research. Allele origin: germline. Affected: no. Observed: 1 variant allele. Study: ClinSeq.
ClinVar note: Converted during submission from variant of unknown significance to Uncertain significance.

NM_000548.5(TSC2):c.5026C>G (p.Leu1676Val)

Gene: TSC2 (TSC complex subunit 2; plus strand). Cytogenetic location: 16p13.3.
Variant type: single nucleotide variant.
Coding change: c.5026C>G on transcript NM_000548.5 (MANE Select); coding-DNA position 5026, C replaced by G.
Protein change: p.Leu1676Val; replaces leucine 1676 with valine.
Molecular consequence: missense variant.
Genome position (GRCh38, 1-based): chr16:2,087,899, C>G. VCF-style: chr16-2087899-C-G. GRCh37 (hg19) VCF-style: chr16-2137900-C-G.
Other names: c.4825C>G, p.Leu1609Val (NM_001077183.3); c.4957C>G, p.Leu1653Val (NM_001114382.3); c.4717C>G, p.Leu1573Val (NM_001318827.2); c.4681C>G, p.Leu1561Val (NM_001318829.2); c.4294C>G, p.Leu1432Val (NM_001318831.2); c.4858C>G, p.Leu1620Val (NM_001318832.2); c.4828C>G, p.Leu1610Val (NM_001363528.2); c.4894C>G, p.Leu1632Val (NM_001370404.1); and 1 more; short protein forms L1676V, L1561V, L1573V, L1609V, L1620V, L1653V, L1432V, L1610V.
Identifiers: ClinVar variation 41744 (VCV000041744.2), dbSNP rs201707249, ClinGen allele CA021545.
Genomic context (GRCh38, chr16:2,087,899, plus strand): 5'-TGACCCTTTCTCTTGTCCGGGCAGGGCCAGTTCAACTTTGTCCACGTGATCGTCACCCCG[C>G]TGGACTACGAGTGCAACCTGGTGTCCCTGCAGTGCAGGAAAGGTAGGGCCGGGTGGGGCC-3'
Protein context (NP_000539.2, residues 1666-1686): FNFVHVIVTP[Leu1676Val]DYECNLVSLQ